The following is an entry in ClinVar:

ClinVar aggregate classification (germline): Likely pathogenic (1 of 4 stars; one submission).

Conditions:
Mucopolysaccharidosis, MPS-III-A (MPS3A). Also called: Mucopolysaccharidosis type IIIA (Sanfilippo A); Mucopolysaccharidosis, type IIIA; mucopolysaccharidosis type 3A; MPS IIIA (Sanfilippo Syndrome Type A); HEPARAN SULFATE SULFATASE DEFICIENCY; SANFILIPPO SYNDROME A. Identifiers: Orphanet 581, Orphanet 79269, MedGen C0086647, MONDO:0009655, OMIM 252900.

Allele frequency attached by ClinVar (database versions not stated): gnomAD exomes below 0.00001.
gnomAD v4.1: 1 of 1,613,678 alleles (0.000062%); highest among the groups gnomAD compares: Non-Finnish European, 0.000085%; no homozygotes.

Submission:

Labcorp Genetics (formerly Invitae), Labcorp
Classification: Likely pathogenic for Mucopolysaccharidosis, MPS-III-A. Last evaluated: 2023-10-05. Review status: criteria provided, single submitter. Criteria: Invitae Variant Classification Sherloc (09022015). Collection method: clinical testing. Allele origin: germline.
Comment: This sequence change replaces glutamic acid, which is acidic and polar, with glycine, which is neutral and non-polar, at codon 447 of the SGSH protein (p.Glu447Gly). This variant is not present in population databases (gnomAD no frequency). This variant has not been reported in the literature in individuals affected with SGSH-related conditions. Advanced modeling of protein sequence and biophysical properties (such as structural, functional, and spatial information, amino acid conservation, physicochemical variation, residue mobility, and thermodynamic stability) performed at Invitae indicates that this missense variant is expected to disrupt SGSH protein function. This variant disrupts the p.Glu447 amino acid residue in SGSH. Other variant(s) that disrupt this residue have been determined to be pathogenic (PMID: 9158154, 19099774, 26787381; Invitae). This suggests that this residue is clinically significant, and that variants that disrupt this residue are likely to be disease-causing. In summary, the currently available evidence indicates that the variant is pathogenic, but additional data are needed to prove that conclusively. Therefore, this variant has been classified as Likely Pathogenic.

Literature cited by the submitters: PubMed 9158154; PubMed 19099774; PubMed 26787381.

NM_000199.5(SGSH):c.1340A>G (p.Glu447Gly)

Gene: SGSH (N-sulfoglucosamine sulfohydrolase; minus strand). Cytogenetic location: 17q25.3.
Variant type: single nucleotide variant.
Coding change: c.1340A>G on transcript NM_000199.5 (MANE Select); coding-DNA position 1340, A replaced by G.
Protein change: p.Glu447Gly; replaces glutamic acid 447 with glycine.
Molecular consequence: missense variant. On other transcripts: 3 prime UTR variant (2), non-coding transcript variant (1).
Genome position (GRCh38, 1-based): chr17:80,210,621, T>C on the plus strand (A>G on the coding strand, the complement: SGSH is on the minus strand). VCF-style: chr17-80210621-T-C. GRCh37 (hg19) VCF-style: chr17-78184420-T-C.
Other names: c.*427A>G (NM_001352921.3); c.*390A>G (NM_001352922.2); short protein forms E447G.
Identifiers: ClinVar variation 2918842 (VCV002918842.3), dbSNP rs2510856564, ClinGen allele CA401358645.